The following is an entry in ClinVar:

NM_003140.3(SRY):c.233T>A (p.Met78Lys)

Gene: SRY (sex determining region Y; minus strand). Cytogenetic location: Yp11.2.
Variant type: single nucleotide variant.
Coding change: c.233T>A on transcript NM_003140.3 (MANE Select); coding-DNA position 233, T replaced by A.
Protein change: p.Met78Lys; replaces methionine 78 with lysine.
Molecular consequence: missense variant.
Genome position (GRCh38, 1-based): chrY:2,787,371, A>T on the plus strand (T>A on the coding strand, the complement: SRY is on the minus strand). VCF-style: chrY-2787371-A-T. GRCh37 (hg19) VCF-style: chrY-2655412-A-T.
Other names: short protein forms M78K.
Identifiers: ClinVar variation 4082517 (VCV004082517.2).

ClinVar aggregate classification (germline): Uncertain significance (1 of 4 stars; one submission).

Submission:

Genetic Services Laboratory, University of Chicago
Classification: Uncertain significance. Last evaluated: 2023-03-06. Review status: criteria provided, single submitter. Criteria: ACMG Guidelines, 2015. Collection method: clinical testing. Allele origin: germline. Affected: no.
Comment: DNA sequence analysis of the SRY gene demonstrated a sequence change, c.233T>A, in exon 1 that results in an amino acid change, p.Met78Lys. It has also not been described in population databases such as ExAC and gnomAD. The p.Met78Lys change affects a highly conserved amino acid residue located in a domain of the SRY protein that is known to be functional (PMID: 11563911, PMID: 7985018). The p.Met78Lys substitution appears to be deleterious using several in-silico pathogenicity prediction tools (SIFT, PolyPhen2, Align GVGD, REVEL). Due to insufficient evidences and the lack of functional studies, the clinical significance of the p.Met78Lys change remains unknown at this time.